The following is an entry in ClinVar:

ClinVar aggregate classification (germline): Uncertain significance. Review status: criteria provided, single submitter (1 of 4 stars). 2 submissions from 2 submitters: Uncertain significance (1). 1 of the submissions does not count toward it. Last evaluated 2025-03-29.

Conditions:
Dyskeratosis congenita. Identifiers: Orphanet 1775, MedGen C0265965, MONDO:0015780.
Inborn genetic diseases. Identifiers: MedGen C0950123, MeSH D030342.

gnomAD v4.1: 1 of 1,612,594 alleles (0.000062%); highest among the groups gnomAD compares: Non-Finnish European, 0.000085%; no homozygotes.

Submissions (2):

Ambry Genetics
Classification: Uncertain significance for Inborn genetic diseases. Last evaluated: 2025-03-29. Review status: criteria provided, single submitter. Criteria: Ambry Variant Classification Scheme 2023. Collection method: clinical testing. Allele origin: germline.
Comment: The p.N911D variant (also known as c.2731A>G), located in coding exon 28 of the RTEL1 gene, results from an A to G substitution at nucleotide position 2731. The asparagine at codon 911 is replaced by aspartic acid, an amino acid with highly similar properties. This amino acid position is conserved. In addition, this alteration is predicted to be tolerated by in silico analysis. Based on the available evidence, the clinical significance of this variant remains unclear.

Natera, Inc.
Classification: Uncertain significance for Dyskeratosis congenita. Last evaluated: 2025-04-28. Review status: no assertion criteria provided. Collection method: clinical testing. Allele origin: germline. Not counted in ClinVar's aggregate classification.

NM_001283009.2(RTEL1):c.2731A>G (p.Asn911Asp)

Genes: RTEL1 (regulator of telomere elongation helicase 1; plus strand), RTEL1-TNFRSF6B (RTEL1-TNFRSF6B readthrough (NMD candidate); plus strand). Cytogenetic location: 20q13.33.
Variant type: single nucleotide variant.
Coding change: c.2731A>G on transcript NM_001283009.2 (MANE Select); coding-DNA position 2731, A replaced by G.
Protein change: p.Asn911Asp; replaces asparagine 911 with aspartic acid.
Molecular consequence: missense variant. On other transcripts: non-coding transcript variant (1).
Genome position (GRCh38, 1-based): chr20:63,692,883, A>G. VCF-style: chr20-63692883-A-G. GRCh37 (hg19) VCF-style: chr20-62324236-A-G.
Other names: c.2803A>G, p.Asn935Asp (NM_032957.5); c.2731A>G, p.Asn911Asp (NM_016434.4); c.2062A>G, p.Asn688Asp (NM_001283010.1); c.2803A>G (NM_032957.4); short protein forms N911D, N688D, N935D.
Identifiers: ClinVar variation 3948266 (VCV003948266.2).